The following is an entry in ClinVar:

ClinVar aggregate classification (germline): Uncertain significance (1 of 4 stars; one submission).

Conditions:
Hereditary cancer-predisposing syndrome. Also called: Tumor predisposition; Neoplastic Syndromes, Hereditary; Hereditary Cancer Syndrome; Hereditary neoplastic syndrome. Identifiers: Orphanet 140162, MedGen C0027672, MeSH D009386, MONDO:0015356.

Submission:

Labcorp Genetics (formerly Invitae), Labcorp
Classification: Uncertain significance for Hereditary cancer-predisposing syndrome. Last evaluated: 2021-03-26. Review status: criteria provided, single submitter. Criteria: Invitae Variant Classification Sherloc (09022015). Collection method: clinical testing. Allele origin: germline.
Comment: This sequence change replaces arginine with proline at codon 224 of the RAD50 protein (p.Arg224Pro). The arginine residue is moderately conserved and there is a moderate physicochemical difference between arginine and proline. This variant is not present in population databases (ExAC no frequency). In summary, the available evidence is currently insufficient to determine the role of this variant in disease. Therefore, it has been classified as a Variant of Uncertain Significance. Algorithms developed to predict the effect of missense changes on protein structure and function are either unavailable or do not agree on the potential impact of this missense change (SIFT: "Deleterious"; PolyPhen-2: "Probably Damaging"; Align-GVGD: "Class C0"). This variant has not been reported in the literature in individuals with RAD50-related conditions.

NM_005732.4(RAD50):c.671G>C (p.Arg224Pro)

Gene: RAD50 (RAD50 double strand break repair protein; plus strand). Cytogenetic location: 5q31.1.
Variant type: single nucleotide variant.
Coding change: c.671G>C on transcript NM_005732.4 (MANE Select); coding-DNA position 671, G replaced by C.
Protein change: p.Arg224Pro; replaces arginine 224 with proline.
Molecular consequence: missense variant.
Genome position (GRCh38, 1-based): chr5:132,579,981, G>C. VCF-style: chr5-132579981-G-C. GRCh37 (hg19) VCF-style: chr5-131915673-G-C.
Other names: short protein forms R224P.
Identifiers: ClinVar variation 1382406 (VCV001382406.8), dbSNP rs28903088, ClinGen allele CA360936344.